The following is an entry in ClinVar:

NM_133433.4(NIPBL):c.230+5G>A

Gene: NIPBL (NIPBL cohesin loading factor; plus strand). Cytogenetic location: 5p13.2.
Variant type: single nucleotide variant.
Coding change: c.230+5G>A on transcript NM_133433.4 (MANE Select); 5 bases into the intron after coding-DNA position 230, G replaced by A.
Molecular consequence: intron variant.
Genome position (GRCh38, 1-based): chr5:36,955,642, G>A. VCF-style: chr5-36955642-G-A. GRCh37 (hg19) VCF-style: chr5-36955744-G-A.
Other names: c.230+5G>A (NM_015384.5).
Identifiers: ClinVar variation 642705 (VCV000642705.2), dbSNP rs1580323183, ClinGen allele CA915943360.

ClinVar aggregate classification (germline): Pathogenic (1 of 4 stars; one submission).

Conditions:
Cornelia de Lange syndrome 1 (CDLS1). Also called: NIPBL-Related Cornelia de Lange Syndrome; TYPUS DEGENERATIVUS AMSTELODAMENSIS; Brachmann de Lange syndrome. Identifiers: Orphanet 199, MedGen C4551851, MONDO:0007387, OMIM 122470.

Submission:

Labcorp Genetics (formerly Invitae), Labcorp
Classification: Pathogenic for Cornelia de Lange syndrome 1. Last evaluated: 2019-03-20. Review status: criteria provided, single submitter. Criteria: Invitae Variant Classification Sherloc (09022015). Collection method: clinical testing. Allele origin: germline.
Comment: This sequence change falls in intron 3 of the NIPBL gene. It does not directly change the encoded amino acid sequence of the NIPBL protein, but it affects a nucleotide within the consensus splice site of the intron. This variant is not present in population databases (ExAC no frequency). Nucleotide substitutions within the consensus splice site are a relatively common cause of aberrant splicing (PMID: 17576681, 9536098). Algorithms developed to predict the effect of sequence changes on RNA splicing suggest that this variant may disrupt the consensus splice site, but this prediction has not been confirmed by published transcriptional studies. For these reasons, this variant has been classified as Pathogenic.